The following is an entry in ClinVar:

NM_000051.4(ATM):c.4611+9C>G

Gene: ATM (ATM serine/threonine kinase; plus strand). Cytogenetic location: 11q22.3.
Variant type: single nucleotide variant.
Coding change: c.4611+9C>G on transcript NM_000051.4 (MANE Select); 9 bases into the intron after coding-DNA position 4611, C replaced by G.
Molecular consequence: intron variant.
Genome position (GRCh38, 1-based): chr11:108,292,802, C>G. VCF-style: chr11-108292802-C-G. GRCh37 (hg19) VCF-style: chr11-108163529-C-G.
Other names: c.4611+9C>G (NM_001351834.2).
Identifiers: ClinVar variation 377513 (VCV000377513.15), dbSNP rs760704159, ClinGen allele CA6265503.

ClinVar aggregate classification (germline): Likely benign. Review status: criteria provided, multiple submitters, no conflicts (2 of 4 stars). 5 submissions from 5 submitters: Likely benign (5). Last evaluated 2026-01-11.

Conditions:
Hereditary cancer-predisposing syndrome. Also called: Hereditary neoplastic syndrome; Tumor predisposition; Neoplastic Syndromes, Hereditary; Hereditary Cancer Syndrome. Identifiers: Orphanet 140162, MedGen C0027672, MeSH D009386, MONDO:0015356.
Familial cancer of breast. Also called: Hereditary breast cancer; BREAST CANCER, FAMILIAL; hereditary breast carcinoma. Identifiers: Orphanet 227535, MedGen C0346153, MONDO:0016419, OMIM 114480. Disease mechanism: loss of function.
Ataxia-telangiectasia syndrome (AT). Also called: LOUIS-BAR SYNDROME; ATAXIA-TELANGIECTASIA, COMPLEMENTATION GROUP A; ATAXIA-TELANGIECTASIA, FRESNO VARIANT; Ataxia-telangiectasia; Ataxia telangiectasia (A-T); Cerebello-oculocutaneous telangiectasia. Identifiers: Orphanet 100, MedGen C0004135, MONDO:0008840, OMIM 208900.

Allele frequency attached by ClinVar (database versions not stated): gnomAD 0.00001; gnomAD exomes 0.00001; TOPMed 0.00001; ExAC 0.00002.
gnomAD v4.1: 6 of 1,613,166 alleles (0.00037%); highest among the groups gnomAD compares: Non-Finnish European, 0.00051%; no homozygotes.

Submissions (5):

Labcorp Genetics (formerly Invitae), Labcorp
Classification: Likely benign for Ataxia-telangiectasia syndrome. Last evaluated: 2026-01-11. Review status: criteria provided, single submitter. Criteria: Invitae Variant Classification Sherloc (09022015). Collection method: clinical testing. Allele origin: germline.

Women's Health and Genetics/Laboratory Corporation of America, LabCorp
Classification: Likely benign. Last evaluated: 2024-12-11. Review status: criteria provided, single submitter. Criteria: LabCorp Variant Classification Summary - May 2015. Collection method: clinical testing. Allele origin: germline.

Myriad Genetics, Inc.
Classification: Likely benign for Familial cancer of breast. Last evaluated: 2024-05-20. Review status: criteria provided, single submitter. Criteria: Myriad Autosomal Dominant, Autosomal Recessive and X-Linked Classification Criteria (2023). Collection method: clinical testing. Allele origin: unknown.
Comment: This variant is considered likely benign. This variant is intronic and is not expected to impact mRNA splicing.

GeneDx
Classification: Likely benign. Last evaluated: 2017-11-27. Review status: criteria provided, single submitter. Criteria: GeneDx Variant Classification (06012015). Collection method: clinical testing. Allele origin: germline. Affected: yes.
Comment: This variant is considered likely benign or benign based on one or more of the following criteria: it is a conservative change, it occurs at a poorly conserved position in the protein, it is predicted to be benign by multiple in silico algorithms, and/or has population frequency not consistent with disease.

Color Diagnostics, LLC DBA Color Health
Classification: Likely benign for Hereditary cancer-predisposing syndrome. Last evaluated: 2016-08-15. Review status: criteria provided, single submitter. Criteria: ACMG Guidelines, 2015. Collection method: clinical testing. Allele origin: germline.